The following is an entry in ClinVar:

NM_022047.4(DEF6):c.357C>T (p.Phe119=)

Gene: DEF6 (DEF6 guanine nucleotide exchange factor; plus strand). Cytogenetic location: 6p21.31.
Variant type: single nucleotide variant.
Coding change: c.357C>T on transcript NM_022047.4 (MANE Select); coding-DNA position 357, C replaced by T.
Protein change: p.Phe119=; no amino-acid change (phenylalanine 119 retained).
Molecular consequence: synonymous variant.
Genome position (GRCh38, 1-based): chr6:35,310,578, C>T. VCF-style: chr6-35310578-C-T. GRCh37 (hg19) VCF-style: chr6-35278355-C-T.
Identifiers: ClinVar variation 1169523 (VCV001169523.24), dbSNP rs150977102, ClinGen allele CA3770706.
Genomic context (GRCh38, chr6:35,310,578, plus strand): 5'-CAAGAAGAACTATCGGGCAGATAGCAACGGGAACAGTATGCTCTCCAATCAGGATGCCTT[C>T]CGCCTCTGGTGCCTCTTCAACTTCCTGTCTGAGGACAAGTACCCTCTGATCATGGTTCCT-3'
Protein context (NP_071330.3, residues 109-129): GNSMLSNQDA[Phe119=]RLWCLFNFLS

ClinVar aggregate classification (germline): Benign/Likely benign. Review status: criteria provided, multiple submitters, no conflicts (2 of 4 stars). 3 submissions from 3 submitters: Benign (1); Likely benign (2). Last evaluated 2026-05-01.

Allele frequency attached by ClinVar (database versions not stated): TOPMed 0.00070; gnomAD 0.00073 and 0.00079; 1000 Genomes Project 30x 0.00078; 1000 Genomes Project 0.00080; ESP Exome Variant Server 0.00100; gnomAD exomes 0.00118 and 0.00121; ExAC 0.00124.
gnomAD v4.1: 1,834 of 1,614,162 alleles (0.11%); highest among the groups gnomAD compares: South Asian, 0.35%; 4 homozygotes.

Submissions (3):

CeGaT Center for Human Genetics Tuebingen
Classification: Likely benign. Last evaluated: 2026-05-01. Review status: criteria provided, single submitter. Criteria: CeGaT Center For Human Genetics Tuebingen Variant Classification Criteria Version 2. Collection method: clinical testing. Allele origin: germline. Affected: yes. Observed: 3 variant alleles.
Comment: DEF6: BP4

Labcorp Genetics (formerly Invitae), Labcorp
Classification: Benign. Last evaluated: 2026-01-23. Review status: criteria provided, single submitter. Criteria: Invitae Variant Classification Sherloc (09022015). Collection method: clinical testing. Allele origin: germline.

Blueprint Genetics
Classification: Likely benign. Last evaluated: 2024-11-26. Review status: criteria provided, single submitter. Criteria: ACMG Guidelines, 2015. Collection method: clinical testing. Allele origin: germline.